The following is an entry in ClinVar:

NM_002460.4(IRF4):c.133G>C (p.Glu45Gln)

Gene: IRF4 (interferon regulatory factor 4; plus strand). Cytogenetic location: 6p25.3.
Variant type: single nucleotide variant.
Coding change: c.133G>C on transcript NM_002460.4 (MANE Select); coding-DNA position 133, G replaced by C.
Protein change: p.Glu45Gln; replaces glutamic acid 45 with glutamine.
Molecular consequence: missense variant. On other transcripts: non-coding transcript variant (1).
Genome position (GRCh38, 1-based): chr6:393,285, G>C. VCF-style: chr6-393285-G-C. GRCh37 (hg19) VCF-style: chr6-393285-G-C.
Other names: c.133G>C, p.Glu45Gln (NM_001195286.2); short protein forms E45Q.
Identifiers: ClinVar variation 2959792 (VCV002959792.3), dbSNP rs934099606, ClinGen allele CA133329147.

ClinVar aggregate classification (germline): Uncertain significance (1 of 4 stars; one submission).

Allele frequency attached by ClinVar (database versions not stated): gnomAD exomes below 0.00001; TOPMed below 0.00001.
gnomAD v4.1: 3 of 1,606,298 alleles (0.00019%); highest among the groups gnomAD compares: Non-Finnish European, 0.00025%; no homozygotes.

Submission:

Labcorp Genetics (formerly Invitae), Labcorp
Classification: Uncertain significance. Last evaluated: 2023-05-12. Review status: criteria provided, single submitter. Criteria: Invitae Variant Classification Sherloc (09022015). Collection method: clinical testing. Allele origin: germline.
Comment: This sequence change replaces glutamic acid, which is acidic and polar, with glutamine, which is neutral and polar, at codon 45 of the IRF4 protein (p.Glu45Gln). This variant is not present in population databases (gnomAD no frequency). This variant has not been reported in the literature in individuals affected with IRF4-related conditions. An algorithm developed to predict the effect of missense changes on protein structure and function (PolyPhen-2) suggests that this variant is likely to be disruptive. In summary, the available evidence is currently insufficient to determine the role of this variant in disease. Therefore, it has been classified as a Variant of Uncertain Significance.